The following is an entry in ClinVar:

NM_016816.4(OAS1):c.143G>T (p.Gly48Val)

Genes: OAS1 (2'-5'-oligoadenylate synthetase 1; plus strand), LOC130008812 (ATAC-STARR-seq lymphoblastoid active region 7052; plus strand). Cytogenetic location: 12q24.13.
Variant type: single nucleotide variant.
Coding change: c.143G>T on transcript NM_016816.4 (MANE Select); coding-DNA position 143, G replaced by T.
Protein change: p.Gly48Val; replaces glycine 48 with valine.
Molecular consequence: missense variant. On other transcripts: non-coding transcript variant (9).
Genome position (GRCh38, 1-based): chr12:112,907,182, G>T. VCF-style: chr12-112907182-G-T. GRCh37 (hg19) VCF-style: chr12-113344987-G-T.
Other names: c.143G>T, p.Gly48Val (NM_001032409.3, NM_001320151.2, NM_001406020.1 and 10 more transcripts); short protein forms G48V.
Identifiers: ClinVar variation 3682887 (VCV003682887.2).

ClinVar aggregate classification (germline): Uncertain significance (1 of 4 stars; one submission).

Submission:

Labcorp Genetics (formerly Invitae), Labcorp
Classification: Uncertain significance. Last evaluated: 2024-10-26. Review status: criteria provided, single submitter. Criteria: Invitae Variant Classification Sherloc (09022015). Collection method: clinical testing. Allele origin: germline.
Comment: This sequence change replaces glycine, which is neutral and non-polar, with valine, which is neutral and non-polar, at codon 48 of the OAS1 protein (p.Gly48Val). This variant is present in population databases (rs754872011, gnomAD 0.002%). This variant has not been reported in the literature in individuals affected with OAS1-related conditions. An algorithm developed to predict the effect of missense changes on protein structure and function (PolyPhen-2) suggests that this variant is likely to be disruptive. In summary, the available evidence is currently insufficient to determine the role of this variant in disease. Therefore, it has been classified as a Variant of Uncertain Significance.